The following is an entry in ClinVar:

ClinVar aggregate classification (germline): Uncertain significance (1 of 4 stars; one submission).

Submission:

Labcorp Genetics (formerly Invitae), Labcorp
Classification: Uncertain significance. Last evaluated: 2024-10-30. Review status: criteria provided, single submitter. Criteria: Invitae Variant Classification Sherloc (09022015). Collection method: clinical testing. Allele origin: germline.
Comment: This sequence change affects codon 22 of the OR2W3 mRNA. It is a 'silent' change, meaning that it does not change the encoded amino acid sequence of the OR2W3 protein. This variant is not present in population databases (gnomAD no frequency). This variant has not been reported in the literature in individuals affected with OR2W3-related conditions. In summary, the available evidence is currently insufficient to determine the role of this variant in disease. Therefore, it has been classified as a Variant of Uncertain Significance.

NM_001001957.2(OR2W3):c.66T>C (p.His22=)

Gene: OR2W3 (olfactory receptor family 2 subfamily W member 3; plus strand). Cytogenetic location: 1q44.
Variant type: single nucleotide variant.
Coding change: c.66T>C on transcript NM_001001957.2 (MANE Select); coding-DNA position 66, T replaced by C.
Protein change: p.His22=; no amino-acid change (histidine 22 retained).
Molecular consequence: synonymous variant.
Genome position (GRCh38, 1-based): chr1:247,895,652, T>C. VCF-style: chr1-247895652-T-C. GRCh37 (hg19) VCF-style: chr1-248058954-T-C.
Identifiers: ClinVar variation 3697969 (VCV003697969.2).